The following is an entry in ClinVar:

NM_000441.2(SLC26A4):c.1614+5G>A

Gene: SLC26A4 (solute carrier family 26 member 4; plus strand). Cytogenetic location: 7q22.3.
Variant type: single nucleotide variant.
Coding change: c.1614+5G>A on transcript NM_000441.2 (MANE Select); 5 bases into the intron after coding-DNA position 1614, G replaced by A.
Molecular consequence: intron variant.
Genome position (GRCh38, 1-based): chr7:107,698,116, G>A. VCF-style: chr7-107698116-G-A. GRCh37 (hg19) VCF-style: chr7-107338561-G-A.
Other names: c.1614+5G>A (NM_000441.1).
Identifiers: ClinVar variation 2083957 (VCV002083957.6), dbSNP rs1246149309, ClinGen allele CA577030200.
Genomic context (GRCh38, chr7:107,698,116, plus strand): 5'-GCCTTGGAAGCATCCCTAGCACAGATATCTACAAAAGTACCAAGAATTACAAAAACGTAA[G>A]TACCTTTGTGAGACATTTGCTGGACTTGGGTTTACTAGCCTGAAGTTTCAGCAGCTCCAT-3'

ClinVar aggregate classification (germline): Likely pathogenic. Review status: criteria provided, multiple submitters, no conflicts (2 of 4 stars). 3 submissions from 3 submitters: Likely pathogenic (3). Last evaluated 2024-12-17.

Conditions:
Pendred syndrome (PDS). Also called: Pendred Syndrome (PDS); Pendred's syndrome; DEAFNESS WITH GOITER; THYROID DYSHORMONOGENESIS 2B; THYROID HORMONOGENESIS, GENETIC DEFECT IN, 2B; GOITER-DEAFNESS SYNDROME. Identifiers: Orphanet 705, MedGen C0271829, MONDO:0010134, OMIM 274600.

Allele frequency attached by ClinVar (database versions not stated): gnomAD exomes below 0.00001; gnomAD 0.00001; TOPMed 0.00001.
gnomAD v4.1: 2 of 1,584,416 alleles (0.00013%); highest among the groups gnomAD compares: East Asian, 0.0022%; no homozygotes.

Submissions (3):

Natera, Inc.
Classification: Likely pathogenic for Pendred syndrome. Last evaluated: 2024-12-17. Review status: criteria provided, single submitter. Criteria: Natera Variant Classification Schema (03/2026). Collection method: clinical testing. Allele origin: germline.
Comment: The c.1614+5G>A variant in SLC26A4 is an intronic variant located outside the canonical splice sites. This variant is rare in the general population with a frequency below the threshold expected for the associated phenotype(s). This variant has been observed in one or more individuals affected with the associated recessive disease, as either homozygous or compound heterozygous with a second variant (PMID: 32770655). Functional studies show that this variant may disrupt protein function (PMID: 32770655). Computational prediction algorithms indicate this variant is likely to affect gene or protein function. Given the available evidence, this variant is classified as Likely Pathogenic.

Women's Health and Genetics/Laboratory Corporation of America, LabCorp
Classification: Likely pathogenic for Pendred syndrome. Last evaluated: 2024-12-12. Review status: criteria provided, single submitter. Criteria: LabCorp Variant Classification Summary - May 2015. Collection method: clinical testing. Allele origin: germline.
Comment: Variant summary: SLC26A4 c.1614+5G>A alters a conserved nucleotide located close to a canonical splice site and therefore could affect mRNA splicing, leading to a significantly altered protein sequence. Several computational tools predict a significant impact on normal splicing: Three predict the variant weakens a 5' donor site. One predicts the variant abolishes a 5' splicing donor site. In a minigene assay, the variant resulted in aberrant splicing (Zhou_2020). The variant was absent in 251006 control chromosomes (gnomAD). c.1614+5G>A has been reported in the literature in individuals affected with clinical features of Pendred Syndrome (examples: Zhou_2020, Nakano_2022). These data indicate that the variant may be associated with disease. The following publications have been ascertained in the context of this evaluation (PMID: 36884306, 34801268, 32770655). ClinVar contains an entry for this variant (Variation ID: 2083957). Based on the evidence outlined above, the variant was classified as likely pathogenic.

Labcorp Genetics (formerly Invitae), Labcorp
Classification: Likely pathogenic. Last evaluated: 2024-02-23. Review status: criteria provided, single submitter. Criteria: Invitae Variant Classification Sherloc (09022015). Collection method: clinical testing. Allele origin: germline.
Comment: This sequence change falls in intron 14 of the SLC26A4 gene. It does not directly change the encoded amino acid sequence of the SLC26A4 protein. It affects a nucleotide within the consensus splice site. This variant is present in population databases (no rsID available, gnomAD 0.01%). This variant has been observed in individual(s) with SLC26A4-related conditions (PMID: 32770655, 34801268). In at least one individual the data is consistent with being in trans (on the opposite chromosome) from a pathogenic variant. ClinVar contains an entry for this variant (Variation ID: 2083957). Variants that disrupt the consensus splice site are a relatively common cause of aberrant splicing (PMID: 17576681, 9536098). Studies have shown that this variant alters mRNA splicing and is expected to lead to the loss of protein expression (PMID: 32770655). In summary, the currently available evidence indicates that the variant is pathogenic, but additional data are needed to prove that conclusively. Therefore, this variant has been classified as Likely Pathogenic.

Literature cited by the submitters: PubMed 32770655 (cited by 3 submitters); PubMed 34801268 (cited by Women's Health and Genetics/Laboratory Corporation of America, LabCorp and Labcorp Genetics (formerly Invitae), Labcorp); PubMed 36884306 (cited by Women's Health and Genetics/Laboratory Corporation of America, LabCorp); PubMed 17576681 (cited by Labcorp Genetics (formerly Invitae), Labcorp); PubMed 9536098 (cited by Labcorp Genetics (formerly Invitae), Labcorp).